The following is an entry in ClinVar:

ClinVar aggregate classification (germline): Uncertain significance (1 of 4 stars; one submission).

Conditions:
LEP-related disorder. Also called: LEP-related condition.

Allele frequency attached by ClinVar (database versions not stated): gnomAD 0.00001; ExAC 0.00002; gnomAD exomes 0.00002; TOPMed 0.00003.
gnomAD v4.1: 27 of 1,614,030 alleles (0.0017%); highest among the groups gnomAD compares: Middle Eastern, 0.049%; no homozygotes.

Submission:

PreventionGenetics, part of Exact Sciences
Classification: Uncertain significance for LEP-related condition. Last evaluated: 2026-07-11. Review status: criteria provided, single submitter. Criteria: ACMG Guidelines, 2015. Collection method: clinical testing. Allele origin: germline.
Comment: The LEP c.367A>G variant is predicted to result in the amino acid substitution p.Ser123Gly. To our knowledge, this variant has not been reported in the literature. This variant is reported in 0.0035% of alleles in individuals of European (Non-Finnish) descent in gnomAD. At this time, the clinical significance of this variant is uncertain due to the absence of conclusive functional and genetic evidence.

NM_000230.3(LEP):c.367A>G (p.Ser123Gly)

Gene: LEP (leptin; plus strand). Cytogenetic location: 7q32.1.
Variant type: single nucleotide variant.
Coding change: c.367A>G on transcript NM_000230.3 (MANE Select); coding-DNA position 367, A replaced by G.
Protein change: p.Ser123Gly; replaces serine 123 with glycine.
Molecular consequence: missense variant.
Genome position (GRCh38, 1-based): chr7:128,254,626, A>G. VCF-style: chr7-128254626-A-G. GRCh37 (hg19) VCF-style: chr7-127894679-A-G.
Other names: short protein forms S123G.
Identifiers: ClinVar variation 2634563 (VCV002634563.4), dbSNP rs200202828, ClinGen allele CA4469705.